The following is an entry in ClinVar:

NM_183235.3(RAB27A):c.662G>A (p.Cys221Tyr)

Gene: RAB27A (RAB27A, member RAS oncogene family; minus strand). Cytogenetic location: 15q21.3.
Variant type: single nucleotide variant.
Coding change: c.662G>A on transcript NM_183235.3 (MANE Select); coding-DNA position 662, G replaced by A.
Protein change: p.Cys221Tyr; replaces cysteine 221 with tyrosine.
Molecular consequence: missense variant.
Genome position (GRCh38, 1-based): chr15:55,205,511, C>T on the plus strand (G>A on the coding strand, the complement: RAB27A is on the minus strand). VCF-style: chr15-55205511-C-T. GRCh37 (hg19) VCF-style: chr15-55497709-C-T.
Other names: c.662G>A, p.Cys221Tyr (NM_004580.5, NM_183234.3, NM_183236.3); short protein forms C221Y.
Identifiers: ClinVar variation 2137715 (VCV002137715.4), dbSNP rs1197456186, ClinGen allele CA392781683.

ClinVar aggregate classification (germline): Uncertain significance (1 of 4 stars; one submission).

Conditions:
Griscelli syndrome type 2 (GS2). Also called: PAID SYNDROME; PARTIAL ALBINISM AND IMMUNODEFICIENCY SYNDROME; GRISCELLI SYNDROME WITH HEMOPHAGOCYTIC SYNDROME. Identifiers: Orphanet 381, Orphanet 79477, MedGen C1868679, MONDO:0011872, OMIM 607624.

Allele frequency attached by ClinVar (database versions not stated): gnomAD exomes below 0.00001.
gnomAD v4.1: 2 of 1,614,128 alleles (0.00012%); highest among the groups gnomAD compares: Non-Finnish European, 0.00017%; no homozygotes.

Submission:

Labcorp Genetics (formerly Invitae), Labcorp
Classification: Uncertain significance for Griscelli syndrome type 2. Last evaluated: 2022-04-04. Review status: criteria provided, single submitter. Criteria: Invitae Variant Classification Sherloc (09022015). Collection method: clinical testing. Allele origin: germline.
Comment: This sequence change replaces cysteine, which is neutral and slightly polar, with tyrosine, which is neutral and polar, at codon 221 of the RAB27A protein (p.Cys221Tyr). This variant is present in population databases (no rsID available, gnomAD 0.0009%). This missense change has been observed in individual(s) with clinical features of Griscelli syndrome (PMID: 25312756). Algorithms developed to predict the effect of missense changes on protein structure and function are either unavailable or do not agree on the potential impact of this missense change (SIFT: "Deleterious"; PolyPhen-2: "Probably Damaging"; Align-GVGD: "Class C0"). In summary, the available evidence is currently insufficient to determine the role of this variant in disease. Therefore, it has been classified as a Variant of Uncertain Significance.

Literature cited by the submitters: PubMed 25312756.